The following is an entry in ClinVar:

ClinVar aggregate classification (germline): Uncertain significance. Review status: criteria provided, multiple submitters, no conflicts (2 of 4 stars). 2 submissions from 2 submitters: Uncertain significance (2). Last evaluated 2024-03-27.

Conditions:
Familial acute necrotizing encephalopathy (IIAE3). Also called: ENCEPHALOPATHY, ACUTE, INFECTION-INDUCED, SUSCEPTIBILITY TO, 3; Susceptibility to Acute Necrotizing Encephalopathy 1. Identifiers: Orphanet 88619, MedGen C2675556, MONDO:0011953, OMIM 608033.

Submissions (2):

Labcorp Genetics (formerly Invitae), Labcorp
Classification: Uncertain significance for Familial acute necrotizing encephalopathy. Last evaluated: 2024-03-27. Review status: criteria provided, single submitter. Criteria: Invitae Variant Classification Sherloc (09022015). Collection method: clinical testing. Allele origin: germline.
Comment: This sequence change creates a premature translational stop signal (p.Phe654Cysfs*18) in the RANBP2 gene. It is expected to result in an absent or disrupted protein product. However, the current clinical and genetic evidence is not sufficient to establish whether loss-of-function variants in RANBP2 cause disease. This variant is not present in population databases (gnomAD no frequency). This variant has not been reported in the literature in individuals affected with RANBP2-related conditions. ClinVar contains an entry for this variant (Variation ID: 1308089). Experimental studies and prediction algorithms are not available or were not evaluated, and the functional significance of this variant is currently unknown. In summary, the available evidence is currently insufficient to determine the role of this variant in disease. Therefore, it has been classified as a Variant of Uncertain Significance.

GeneDx
Classification: Uncertain significance. Last evaluated: 2023-09-19. Review status: criteria provided, single submitter. Criteria: GeneDx Variant Classification Process June 2021. Collection method: clinical testing. Allele origin: germline. Affected: yes.
Comment: Frameshift variant predicted to result in protein truncation or nonsense mediated decay in a gene for which loss-of-function is not a known mechanism of disease; Not observed in large population cohorts (gnomAD); Has not been previously published as pathogenic or benign to our knowledge

NM_006267.5(RANBP2):c.1961_1962del (p.Phe654fs)

Gene: RANBP2 (RAN binding protein 2; plus strand). Cytogenetic location: 2q13.
Variant type: Deletion.
Coding change: c.1961_1962del on transcript NM_006267.5 (MANE Select); coding-DNA positions 1961 to 1962, 2 bases deleted (TT; older notation c.1961_1962delTT).
Protein change: p.Phe654fs; shifts the reading frame from phenylalanine 654.
Molecular consequence: frameshift variant.
Genome position (GRCh38, 1-based): chr2:108,753,469-108,753,470, TT deleted; deleting any 2 consecutive bases within chr2:108,753,467-108,753,470 gives the same sequence; the c. name uses the placement nearest the transcript's 3' end. VCF-style (leftmost placement, unchanged base first): chr2-108753466-CTT-C. GRCh37 (hg19) VCF-style: chr2-109369922-CTT-C.
Other names: short protein forms F654fs.
Identifiers: ClinVar variation 1308089 (VCV001308089.7), dbSNP rs2149232562, ClinGen allele CA2573051640.